The following is an entry in ClinVar:

ClinVar aggregate classification (germline): Uncertain significance. Review status: criteria provided, multiple submitters, no conflicts (2 of 4 stars). 3 submissions from 3 submitters: Uncertain significance (3). Last evaluated 2024-02-28.

Conditions:
Intellectual disability. Also called: Intellectual functioning disability; intellectual disabilities; Intellectual developmental disorder. Identifiers: MedGen C3714756, MeSH D008607, MONDO:0001071, HP:0001249.
Inborn genetic diseases. Identifiers: MedGen C0950123, MeSH D030342.

Allele frequency attached by ClinVar (database versions not stated): gnomAD exomes 0.00001; TOPMed below 0.00001; gnomAD 0.00001.
gnomAD v4.1: 10 of 1,613,582 alleles (0.00062%); highest among the groups gnomAD compares: Non-Finnish European, 0.00085%; no homozygotes.

Submissions (3):

Ambry Genetics
Classification: Uncertain significance for Inborn genetic diseases. Last evaluated: 2024-02-28. Review status: criteria provided, single submitter. Criteria: Ambry Variant Classification Scheme 2023. Collection method: clinical testing. Allele origin: germline.

Labcorp Genetics (formerly Invitae), Labcorp
Classification: Uncertain significance. Last evaluated: 2022-08-21. Review status: criteria provided, single submitter. Criteria: Invitae Variant Classification Sherloc (09022015). Collection method: clinical testing. Allele origin: germline.
Comment: This sequence change replaces arginine, which is basic and polar, with glutamine, which is neutral and polar, at codon 658 of the UBE3B protein (p.Arg658Gln). This variant is present in population databases (no rsID available, gnomAD 0.0009%). This variant has not been reported in the literature in individuals affected with UBE3B-related conditions. Algorithms developed to predict the effect of missense changes on protein structure and function are either unavailable or do not agree on the potential impact of this missense change (SIFT: "Tolerated"; PolyPhen-2: "Probably Damaging"; Align-GVGD: "Class C0"). In summary, the available evidence is currently insufficient to determine the role of this variant in disease. Therefore, it has been classified as a Variant of Uncertain Significance.

Cambridge Genomics Laboratory, East Genomic Laboratory Hub, NHS Genomic Medicine Service
Classification: Uncertain significance for Intellectual disability. Last evaluated: 2019-06-04. Review status: criteria provided, single submitter. Criteria: ACGS Best Practice Guidelines for Variant Classification in Rare Disease 2020. Collection method: clinical testing. Allele origin: germline. Affected: yes. Observed: 1 variant allele.

NM_130466.4(UBE3B):c.1973G>A (p.Arg658Gln)

Gene: UBE3B (ubiquitin protein ligase E3B; plus strand). Cytogenetic location: 12q24.11.
Variant type: single nucleotide variant.
Coding change: c.1973G>A on transcript NM_130466.4 (MANE Select); coding-DNA position 1973, G replaced by A.
Protein change: p.Arg658Gln; replaces arginine 658 with glutamine.
Molecular consequence: missense variant.
Genome position (GRCh38, 1-based): chr12:109,516,781, G>A. VCF-style: chr12-109516781-G-A. GRCh37 (hg19) VCF-style: chr12-109954586-G-A.
Other names: c.1973G>A, p.Arg658Gln (NM_183415.3); c.1973G>A (NM_130466.2); short protein forms R658Q.
Identifiers: ClinVar variation 2169738 (VCV002169738.3), dbSNP rs1463587266, ClinGen allele CA386640157.